The following is an entry in ClinVar:

ClinVar aggregate classification (germline): Uncertain significance (1 of 4 stars; one submission).

Conditions:
Cardiomyopathy (CMYO). Also called: Cardiomyopathies. Identifiers: Orphanet 167848, MedGen C0878544, MONDO:0004994, HP:0001638. Inheritance: Various modes of inheritance.

Submission:

Color Diagnostics, LLC DBA Color Health
Classification: Uncertain significance for Cardiomyopathy. Last evaluated: 2024-03-06. Review status: criteria provided, single submitter. Criteria: ACMG Guidelines, 2015. Collection method: clinical testing. Allele origin: germline.
Comment: This missense variant replaces asparagine with serine at codon 489 of the PRKAG2 protein. Computational prediction is inconclusive regarding the impact of this variant on protein structure and function (internally defined REVEL score threshold 0.5 < inconclusive < 0.7, PMID: 27666373). Splice site prediction tools suggest that this variant may not impact RNA splicing. To our knowledge, functional studies have not been performed for this variant. This variant has not been reported in individuals affected with cardiovascular disorders in the literature. This variant has not been identified in the general population by the Genome Aggregation Database (gnomAD). The available evidence is insufficient to determine the role of this variant in disease conclusively. Therefore, this variant is classified as a Variant of Uncertain Significance.

NM_016203.4(PRKAG2):c.1466A>G (p.Asn489Ser)

Gene: PRKAG2 (protein kinase AMP-activated non-catalytic subunit gamma 2; minus strand). Cytogenetic location: 7q36.1.
Variant type: single nucleotide variant.
Coding change: c.1466A>G on transcript NM_016203.4 (MANE Select); coding-DNA position 1466, A replaced by G.
Protein change: p.Asn489Ser; replaces asparagine 489 with serine.
Molecular consequence: missense variant.
Genome position (GRCh38, 1-based): chr7:151,564,196, T>C on the plus strand (A>G on the coding strand, the complement: PRKAG2 is on the minus strand). VCF-style: chr7-151564196-T-C. GRCh37 (hg19) VCF-style: chr7-151261282-T-C.
Other names: c.1334A>G, p.Asn445Ser (NM_001040633.2); c.1091A>G, p.Asn364Ser (NM_001304527.2); c.743A>G, p.Asn248Ser (NM_001304531.2, NM_024429.2); c.1094A>G, p.Asn365Ser (NM_001363698.2); short protein forms N248S, N364S, N365S, N445S, N489S.
Identifiers: ClinVar variation 927366 (VCV000927366.4), dbSNP rs1805707497, ClinGen allele CA370070679.